The following is an entry in ClinVar:

ClinVar aggregate classification (germline): Uncertain significance (1 of 4 stars; one submission).

Submission:

Labcorp Genetics (formerly Invitae), Labcorp
Classification: Uncertain significance. Last evaluated: 2023-03-13. Review status: criteria provided, single submitter. Criteria: Invitae Variant Classification Sherloc (09022015). Collection method: clinical testing. Allele origin: germline.
Comment: In summary, the available evidence is currently insufficient to determine the role of this variant in disease. Therefore, it has been classified as a Variant of Uncertain Significance. This variant has not been reported in the literature in individuals affected with ATP1A1-related conditions. This variant is not present in population databases (gnomAD no frequency). This variant results in the deletion of part of exon 12 (c.1549_1660+518del) of the ATP1A1 gene. It is expected to disrupt RNA splicing. Variants that disrupt the donor or acceptor splice site typically lead to a loss of protein function (PMID: 16199547), however the current clinical and genetic evidence is not sufficient to establish whether loss-of-function variants in ATP1A1 cause disease.

Literature cited by the submitters: PubMed 16199547.

NM_000701.8(ATP1A1):c.1549_1660+518del

Genes: ATP1A1 (ATPase Na+/K+ transporting subunit alpha 1; plus strand), ATP1A1-AS1 (ATP1A1 antisense RNA 1; minus strand). Cytogenetic location: 1p13.1.
Variant type: Deletion.
Coding change: c.1549_1660+518del on transcript NM_000701.8 (MANE Select); coding-DNA position 1549 through 518 bases into the intron after coding-DNA position 1660, 630 bases deleted.
Molecular consequence: splice donor variant.
Genome position (GRCh38, 1-based): chr1:116,393,612-116,394,241, 630 bases deleted. GRCh37 (hg19): chr1:116,936,234-116,936,863.
Other names: c.1549_1660+518del (NM_001160233.2); c.1456_1567+518del (NM_001160234.2).
Identifiers: ClinVar variation 2032630 (VCV002032630.4), dbSNP rs2525853691, ClinGen allele CA2580060867.